The following is an entry in ClinVar:

ClinVar aggregate classification (germline): Uncertain significance. Review status: criteria provided, multiple submitters, no conflicts (2 of 4 stars). 3 submissions from 3 submitters: Uncertain significance (3). Last evaluated 2026-06-21.

Conditions:
RASopathy. Also called: rasopathies; Noonan spectrum disorder. Identifiers: Orphanet 536391, MedGen C5555857, MONDO:0021060.
Cardiovascular phenotype. Identifiers: MedGen CN230736.

gnomAD v4.1: 1 of 1,613,992 alleles (0.000062%); highest among the groups gnomAD compares: Admixed American, 0.0017%; no homozygotes.

Submissions (3):

Ambry Genetics
Classification: Uncertain significance for Cardiovascular phenotype. Last evaluated: 2026-06-21. Review status: criteria provided, single submitter. Criteria: Ambry Variant Classification Scheme 2023. Collection method: clinical testing. Allele origin: germline.
Comment: The p.R299P variant (also known as c.896G>C), located in coding exon 6 of the CBL gene, results from a G to C substitution at nucleotide position 896. The arginine at codon 299 is replaced by proline, an amino acid with dissimilar properties. This amino acid position is conserved. In addition, this alteration is predicted to be deleterious by in silico analysis. Based on the available evidence, the clinical significance of this variant remains unclear.

Labcorp Genetics (formerly Invitae), Labcorp
Classification: Uncertain significance for RASopathy. Last evaluated: 2024-11-28. Review status: criteria provided, single submitter. Criteria: Invitae Variant Classification Sherloc (09022015). Collection method: clinical testing. Allele origin: germline.
Comment: This sequence change replaces arginine, which is basic and polar, with proline, which is neutral and non-polar, at codon 299 of the CBL protein (p.Arg299Pro). This variant is present in population databases (no rsID available, gnomAD 0.003%). This variant has not been reported in the literature in individuals affected with CBL-related conditions. ClinVar contains an entry for this variant (Variation ID: 2507074). Invitae Evidence Modeling of protein sequence and biophysical properties (such as structural, functional, and spatial information, amino acid conservation, physicochemical variation, residue mobility, and thermodynamic stability) indicates that this missense variant is expected to disrupt CBL protein function with a positive predictive value of 95%. In summary, the available evidence is currently insufficient to determine the role of this variant in disease. Therefore, it has been classified as a Variant of Uncertain Significance.

GeneDx
Classification: Uncertain significance. Last evaluated: 2022-12-27. Review status: criteria provided, single submitter. Criteria: GeneDx Variant Classification Process June 2021. Collection method: clinical testing. Allele origin: germline. Affected: yes.
Comment: In silico analysis supports that this missense variant has a deleterious effect on protein structure/function; Has not been previously published as pathogenic or benign to our knowledge; This variant is associated with the following publications: (PMID: 20619386, 18034775)

NM_005188.4(CBL):c.896G>C (p.Arg299Pro)

Gene: CBL (Cbl proto-oncogene; plus strand). Cytogenetic location: 11q23.3.
Variant type: single nucleotide variant.
Coding change: c.896G>C on transcript NM_005188.4 (MANE Select); coding-DNA position 896, G replaced by C.
Protein change: p.Arg299Pro; replaces arginine 299 with proline.
Molecular consequence: missense variant.
Genome position (GRCh38, 1-based): chr11:119,276,023, G>C. VCF-style: chr11-119276023-G-C. GRCh37 (hg19) VCF-style: chr11-119146733-G-C.
Other names: short protein forms R299P.
Identifiers: ClinVar variation 2507074 (VCV002507074.4), dbSNP rs1365243839, ClinGen allele CA382911390.